The following is an entry in ClinVar:

ClinVar aggregate classification (germline): Likely pathogenic (1 of 4 stars; one submission).

Conditions:
Galactosemia. Also called: Galactose intolerance. Identifiers: Orphanet 352, MedGen C0016952, MONDO:0018116, HP:0004919. Disease mechanism: loss of function.

Submission:

Natera, Inc.
Classification: Likely pathogenic for Galactosemia. Last evaluated: 2025-09-02. Review status: criteria provided, single submitter. Criteria: Natera Variant Classification Schema (03/2026). Collection method: clinical testing. Allele origin: germline.
Comment: The c.653T>C variant in GALT is a missense variant predicted to cause substitution of leucine to proline at amino acid 218. This variant is rare in the general population with a frequency below the threshold expected for the associated phenotype(s). This variant has been observed in one or more individuals affected with the associated recessive disease, as either homozygous or compound heterozygous with a second variant (PMID: 22944367). This variant has been identified in one or more affected individuals with a phenotype highly consistent with the associated gene (PMID: 22944367). Computational prediction algorithms indicate this variant is likely to affect gene or protein function. Given the available evidence, this variant is classified as Likely Pathogenic.

Literature cited by the submitters: PubMed 22944367.

NM_000155.4(GALT):c.653T>C (p.Leu218Pro)

Gene: GALT (galactose-1-phosphate uridylyltransferase; plus strand). Cytogenetic location: 9p13.3.
Variant type: single nucleotide variant.
Coding change: c.653T>C on transcript NM_000155.4 (MANE Select); coding-DNA position 653, T replaced by C.
Protein change: p.Leu218Pro; replaces leucine 218 with proline.
Molecular consequence: missense variant.
Genome position (GRCh38, 1-based): chr9:34,648,422, T>C. VCF-style: chr9-34648422-T-C. GRCh37 (hg19) VCF-style: chr9-34648419-T-C.
Other names: c.326T>C, p.Leu109Pro (NM_001258332.2); short protein forms L109P, L218P.
Identifiers: ClinVar variation 4817637 (VCV004817637.1).
Genomic context (GRCh38, chr9:34,648,422, plus strand): 5'-TTGCCCAGCGTGAGGAGCGATCTCAGCAGGCCTATAAGAGTCAGCATGGAGAGCCCCTGC[T>C]AATGGAGTACAGCCGCCAGGAGCTACTCAGGAAGGTGGGAGAGAGCCAAGCCCTGTGTCC-3'
Protein context (NP_000146.2, residues 208-228): AYKSQHGEPL[Leu218Pro]MEYSRQELLR